The following is an entry in ClinVar:

ClinVar aggregate classification (germline): Uncertain significance (1 of 4 stars; one submission).

Submission:

GeneDx
Classification: Uncertain significance. Last evaluated: 2022-08-05. Review status: criteria provided, single submitter. Criteria: GeneDx Variant Classification Process June 2021. Collection method: clinical testing. Allele origin: germline. Affected: yes.
Comment: Not observed at significant frequency in large population cohorts (gnomAD); In silico analysis supports that this missense variant has a deleterious effect on protein structure/function; Has not been previously published as pathogenic or benign to our knowledge

NM_021120.4(DLG3):c.1562C>A (p.Pro521Gln)

Gene: DLG3 (discs large MAGUK scaffold protein 3; plus strand). Cytogenetic location: Xq13.1.
Variant type: single nucleotide variant.
Coding change: c.1562C>A on transcript NM_021120.4 (MANE Select); coding-DNA position 1562, C replaced by A.
Protein change: p.Pro521Gln; replaces proline 521 with glutamine.
Molecular consequence: missense variant.
Genome position (GRCh38, 1-based): chrX:70,492,148, C>A. VCF-style: chrX-70492148-C-A. GRCh37 (hg19) VCF-style: chrX-69711998-C-A.
Other names: c.113C>A, p.Pro38Gln (NM_001166278.2); c.551C>A, p.Pro184Gln (NM_020730.3); short protein forms P184Q, P38Q, P521Q.
Identifiers: ClinVar variation 2428799 (VCV002428799.3), dbSNP rs2519853523, ClinGen allele CA413458477.